The following is an entry in ClinVar:

ClinVar aggregate classification (germline): Uncertain significance. Review status: criteria provided, multiple submitters, no conflicts (2 of 4 stars). 2 submissions from 2 submitters: Uncertain significance (2). Last evaluated 2025-06-23.

Conditions:
Hereditary cancer-predisposing syndrome. Also called: Neoplastic Syndromes, Hereditary; Hereditary neoplastic syndrome; Tumor predisposition; Hereditary Cancer Syndrome. Identifiers: Orphanet 140162, MedGen C0027672, MeSH D009386, MONDO:0015356.
Neuroblastoma, susceptibility to, 3. Also called: ALK-Related Neuroblastic Tumor Susceptibility. Identifiers: Orphanet 635, MedGen C2751681, MONDO:0013083, OMIM 613014.

Submissions (2):

Ambry Genetics
Classification: Uncertain significance for Hereditary cancer-predisposing syndrome. Last evaluated: 2025-06-23. Review status: criteria provided, single submitter. Criteria: Ambry Variant Classification Scheme 2023. Collection method: clinical testing. Allele origin: germline.
Comment: The p.M190T variant (also known as c.569T>C), located in coding exon 1 of the ALK gene, results from a T to C substitution at nucleotide position 569. The methionine at codon 190 is replaced by threonine, an amino acid with similar properties. This amino acid position is conserved. In addition, this alteration is predicted to be deleterious by in silico analysis. Based on the available evidence, the clinical significance of this variant remains unclear.

Labcorp Genetics (formerly Invitae), Labcorp
Classification: Uncertain significance for Neuroblastoma, susceptibility to, 3. Last evaluated: 2022-07-12. Review status: criteria provided, single submitter. Criteria: Invitae Variant Classification Sherloc (09022015). Collection method: clinical testing. Allele origin: germline.
Comment: This sequence change replaces methionine, which is neutral and non-polar, with threonine, which is neutral and polar, at codon 190 of the ALK protein (p.Met190Thr). This variant is not present in population databases (gnomAD no frequency). This variant has not been reported in the literature in individuals affected with ALK-related conditions. ClinVar contains an entry for this variant (Variation ID: 665606). Algorithms developed to predict the effect of missense changes on protein structure and function are either unavailable or do not agree on the potential impact of this missense change (SIFT: "Deleterious"; PolyPhen-2: "Possibly Damaging"; Align-GVGD: "Class C0"). In summary, the available evidence is currently insufficient to determine the role of this variant in disease. Therefore, it has been classified as a Variant of Uncertain Significance.

NM_004304.5(ALK):c.569T>C (p.Met190Thr)

Gene: ALK (ALK receptor tyrosine kinase; minus strand). Cytogenetic location: 2p23.1.
Variant type: single nucleotide variant.
Coding change: c.569T>C on transcript NM_004304.5 (MANE Select); coding-DNA position 569, T replaced by C.
Protein change: p.Met190Thr; replaces methionine 190 with threonine.
Molecular consequence: missense variant.
Genome position (GRCh38, 1-based): chr2:29,920,091, A>G on the plus strand (T>C on the coding strand, the complement: ALK is on the minus strand). VCF-style: chr2-29920091-A-G. GRCh37 (hg19) VCF-style: chr2-30142957-A-G.
Other names: short protein forms M190T.
Identifiers: ClinVar variation 665606 (VCV000665606.9), dbSNP rs1572502891, ClinGen allele CA346589781.